The following is an entry in ClinVar:

NM_001148.6(ANK2):c.2968C>T (p.Arg990Ter)

Gene: ANK2 (ankyrin 2; plus strand). Cytogenetic location: 4q26.
Variant type: single nucleotide variant.
Coding change: c.2968C>T on transcript NM_001148.6 (MANE Select); coding-DNA position 2968, C replaced by T.
Protein change: p.Arg990Ter; replaces arginine 990 with a stop codon.
Molecular consequence: nonsense.
Genome position (GRCh38, 1-based): chr4:113,330,313, C>T. VCF-style: chr4-113330313-C-T. GRCh37 (hg19) VCF-style: chr4-114251469-C-T.
Other names: c.2941C>T, p.Arg981Ter (NM_001127493.3); c.2980C>T, p.Arg994Ter (NM_001354225.2); c.2968C>T, p.Arg990Ter (NM_001354228.2, NM_001354258.2, NM_020977.5); c.3046C>T, p.Arg1016Ter (NM_001354230.2, NM_001354237.2); c.3010C>T, p.Arg1004Ter (NM_001354231.2, NM_001354242.2); c.3004C>T, p.Arg1002Ter (NM_001354232.2); c.2965C>T, p.Arg989Ter (NM_001354235.2, NM_001354236.2, NM_001354246.2 and 1 more transcripts); c.2938C>T, p.Arg980Ter (NM_001354239.2, NM_001354252.2, NM_001354272.2); and 23 more; short protein forms R981*, R990*, R923*, R961*, R989*, R994*, R956*, R957*.
Identifiers: ClinVar variation 450028 (VCV000450028.5), dbSNP rs1554508985, ClinGen allele CA357935038.

ClinVar aggregate classification (germline): Conflicting classifications of pathogenicity. Review status: criteria provided, conflicting classifications (1 of 4 stars). 3 submissions from 3 submitters: Pathogenic (1); Uncertain significance (2). Last evaluated 2025-02-03.

Conditions:
ANK2-related disorder. Also called: ANK2-related condition.
Cardiac arrhythmia, ankyrin-B-related. Also called: ANKYRIN-B SYNDROME. Identifiers: Orphanet 101016, Orphanet 768, MedGen C1970119, MONDO:0010958, OMIM 600919.

Allele frequency attached by ClinVar (database versions not stated): gnomAD exomes below 0.00001.
gnomAD v4.1: 1 of 1,614,178 alleles (0.000062%); highest among the groups gnomAD compares: Non-Finnish European, 0.000085%; no homozygotes.

Submissions (3):

3billion
Classification: Uncertain significance for ANK2-related disorder. Last evaluated: 2025-02-03. Review status: criteria provided, single submitter. Criteria: ACMG Guidelines, 2015. Collection method: clinical testing. Allele origin: germline. Affected: yes.
Comment: The variant is observed at an extremely low frequency in the gnomAD v4.1.0 dataset (total allele frequency: <0.001%). Predicted Consequence/Location: Stop-gained (nonsense): predicted to result in a loss or disruption of normal protein function through nonsense-mediated decay (NMD) or protein truncation. Loss-of-function (LoF) variants are not yet known to be disease-causing for this gene. However, the gene is intolerable to LoF variants (gnomAD), suggesting they have a higher chance of being potentially pathogenic. The variant has been reported to be associated with ANK2-related disorder (ClinVar ID: VCV000450028). However, the evidence of pathogenicity is insufficient at this time. Therefore, this variant is classified as VUS according to the recommendation of ACMG/AMP guideline.

GeneDx
Classification: Pathogenic. Last evaluated: 2024-12-07. Review status: criteria provided, single submitter. Criteria: GeneDx Variant Classification Process June 2021. Collection method: clinical testing. Allele origin: germline. Affected: yes.
Comment: Nonsense variant predicted to result in protein truncation or nonsense mediated decay in a gene for which loss of function is a known mechanism of disease; Not observed at significant frequency in large population cohorts (gnomAD); This variant is associated with the following publications: (PMID: 35982160, 28867142, 36368308, 31133750, 35982159, 31332282, 25363768, 28191890, 28714951, 31981491, 33004838, 28191889, 31785789, 27824329)

Laboratory of Medical Genetics, National & Kapodistrian University of Athens
Classification: Uncertain significance for Cardiac arrhythmia, ankyrin-B-related. Last evaluated: 2022-07-14. Review status: criteria provided, single submitter. Criteria: ACMG Guidelines, 2015. Collection method: clinical testing. Allele origin: germline. Affected: yes.
Comment: PVS1_moderate, PM2